The following is an entry in ClinVar:

ClinVar aggregate classification (germline): Uncertain significance. Review status: criteria provided, multiple submitters, no conflicts (2 of 4 stars). 3 submissions from 3 submitters: Uncertain significance (3). Last evaluated 2025-06-20.

Conditions:
Familial adenomatous polyposis 1 (FAP1). Also called: FAMILIAL ADENOMATOUS POLYPOSIS 1, ATTENUATED; POLYPOSIS, ADENOMATOUS INTESTINAL. Identifiers: MedGen C2713442, MONDO:0021056, OMIM 175100. Disease mechanism: loss of function.
Hereditary cancer-predisposing syndrome. Also called: Neoplastic Syndromes, Hereditary; Tumor predisposition; Hereditary Cancer Syndrome; Hereditary neoplastic syndrome. Identifiers: Orphanet 140162, MedGen C0027672, MeSH D009386, MONDO:0015356.

Allele frequency attached by ClinVar (database versions not stated): gnomAD exomes below 0.00001.
gnomAD v4.1: 6 of 1,613,292 alleles (0.00037%); highest among the groups gnomAD compares: South Asian, 0.0011%; no homozygotes.

Submissions (3):

Ambry Genetics
Classification: Uncertain significance for Hereditary cancer-predisposing syndrome. Last evaluated: 2025-06-20. Review status: criteria provided, single submitter. Criteria: Ambry Variant Classification Scheme 2023. Collection method: clinical testing. Allele origin: germline.
Comment: The p.Q2003P variant (also known as c.6008A>C), located in coding exon 15 of the APC gene, results from an A to C substitution at nucleotide position 6008. The glutamine at codon 2003 is replaced by proline, an amino acid with similar properties. This amino acid position is well conserved in available vertebrate species. In addition, in silico predictors for this gene do not accurately predict pathogenicity. Missense alterations in APC are not a common cause of disease (Spier I et al. Genet Med. 2024 Feb;26(2):100992). Based on the available evidence, the clinical significance of this variant remains unclear.

Labcorp Genetics (formerly Invitae), Labcorp
Classification: Uncertain significance for Familial adenomatous polyposis 1. Last evaluated: 2025-01-14. Review status: criteria provided, single submitter. Criteria: Invitae Variant Classification Sherloc (09022015). Collection method: clinical testing. Allele origin: germline.
Comment: This sequence change replaces glutamine, which is neutral and polar, with proline, which is neutral and non-polar, at codon 2003 of the APC protein (p.Gln2003Pro). This variant is not present in population databases (gnomAD no frequency). This variant has not been reported in the literature in individuals affected with APC-related conditions. ClinVar contains an entry for this variant (Variation ID: 649710). Invitae Evidence Modeling of protein sequence and biophysical properties (such as structural, functional, and spatial information, amino acid conservation, physicochemical variation, residue mobility, and thermodynamic stability) indicates that this missense variant is not expected to disrupt APC protein function with a negative predictive value of 95%. In summary, the available evidence is currently insufficient to determine the role of this variant in disease. Therefore, it has been classified as a Variant of Uncertain Significance.

Quest Diagnostics Nichols Institute San Juan Capistrano
Classification: Uncertain significance. Last evaluated: 2023-11-13. Review status: criteria provided, single submitter. Criteria: Quest Diagnostics criteria. Collection method: clinical testing. Allele origin: unknown.
Comment: The APC c.6008A>C (p.Gln2003Pro) variant has not been reported in the published literature in the germline state in individuals with APC-related conditions. However, this variant has been reported as a somatic variant in unspecified cancer types (PMID: 31765737 (2020)). This variant has not been reported in large, multi-ethnic general populations (Genome Aggregation Database). Analysis of this variant using bioinformatics tools for the prediction of the effect of amino acid changes on protein structure and function yielded predictions that this variant is damaging. Based on the available information, we are unable to determine the clinical significance of this variant.

Literature cited by the submitters: PubMed 31765737 (cited by Quest Diagnostics Nichols Institute San Juan Capistrano).

NM_000038.6(APC):c.6008A>C (p.Gln2003Pro)

Gene: APC (APC regulator of Wnt signaling pathway; plus strand). Cytogenetic location: 5q22.2.
Variant type: single nucleotide variant.
Coding change: c.6008A>C on transcript NM_000038.6 (MANE Select); coding-DNA position 6008, A replaced by C.
Protein change: p.Gln2003Pro; replaces glutamine 2003 with proline.
Molecular consequence: missense variant.
Genome position (GRCh38, 1-based): chr5:112,841,602, A>C. VCF-style: chr5-112841602-A-C. GRCh37 (hg19) VCF-style: chr5-112177299-A-C.
Other names: c.6008A>C, p.Gln2003Pro (NM_001127510.3, NM_001354895.2); c.5954A>C, p.Gln1985Pro (NM_001127511.3); c.6062A>C, p.Gln2021Pro (NM_001354896.2); c.6038A>C, p.Gln2013Pro (NM_001354897.2); c.5933A>C, p.Gln1978Pro (NM_001354898.2); c.5924A>C, p.Gln1975Pro (NM_001354899.2); c.5885A>C, p.Gln1962Pro (NM_001354900.2); c.5831A>C, p.Gln1944Pro (NM_001354901.2); and 5 more; short protein forms Q1720P, Q1843P, Q1962P, Q1985P, Q2003P, Q1912P, Q2021P, Q1877P.
Identifiers: ClinVar variation 649710 (VCV000649710.16), dbSNP rs1580666656, ClinGen allele CA16034479.
Genomic context (GRCh38, chr5:112,841,602, plus strand): 5'-AAAATGAACCTATCAAAGAGACTGAGCCCCCTGACTCACAGGGAGAACCAAGTAAACCTC[A>C]AGCATCAGGCTATGCTCCTAAATCATTTCATGTTGAAGATACCCCAGTTTGTTTCTCAAG-3'
Protein context (NP_000029.2, residues 1993-2013): PDSQGEPSKP[Gln2003Pro]ASGYAPKSFH